The following is an entry in ClinVar:

NM_001110556.2(FLNA):c.1411A>C (p.Thr471Pro)

Gene: FLNA (filamin A; minus strand). Cytogenetic location: Xq28.
Variant type: single nucleotide variant.
Coding change: c.1411A>C on transcript NM_001110556.2 (MANE Select); coding-DNA position 1411, A replaced by C.
Protein change: p.Thr471Pro; replaces threonine 471 with proline.
Molecular consequence: missense variant.
Genome position (GRCh38, 1-based): chrX:154,366,042, T>G on the plus strand (A>C on the coding strand, the complement: FLNA is on the minus strand). VCF-style: chrX-154366042-T-G. GRCh37 (hg19) VCF-style: chrX-153594410-T-G.
Other names: c.1411A>C, p.Thr471Pro (NM_001456.4); short protein forms T471P.
Identifiers: ClinVar variation 2442455 (VCV002442455.1), dbSNP rs782588986, ClinGen allele CA415243637.
Genomic context (GRCh38, chrX:154,366,042, plus strand): 5'-GACTGCAGTGCCACAGCAGAGGGCAGTCAGGGCCGGGCCTACCTTGGCCAACAGTGACAG[T>G]GTAGGGGCTGCGAGGGATGGGCACGCCGGCAAACGTGACGTGCACGGTGTGGACGCCCTC-3'
Protein context (NP_001104026.1, residues 461-481): AGVPIPRSPY[Thr471Pro]VTVGQACNPS

ClinVar aggregate classification (germline): Uncertain significance (1 of 4 stars; one submission).

Submission:

GeneDx
Classification: Uncertain significance. Last evaluated: 2022-09-06. Review status: criteria provided, single submitter. Criteria: GeneDx Variant Classification Process June 2021. Collection method: clinical testing. Allele origin: germline. Affected: yes.
Comment: Not observed at significant frequency in large population cohorts (gnomAD); In silico analysis supports that this missense variant does not alter protein structure/function; Has not been previously published as pathogenic or benign to our knowledge